The following is an entry in ClinVar:

ClinVar aggregate classification (germline): Uncertain significance (1 of 4 stars; one submission).

gnomAD v4.1: 10 of 1,539,118 alleles (0.00065%); highest among the groups gnomAD compares: South Asian, 0.011%; no homozygotes.

Submission:

GeneDx
Classification: Uncertain significance. Last evaluated: 2024-09-12. Review status: criteria provided, single submitter. Criteria: GeneDx Variant Classification Process June 2021. Collection method: clinical testing. Allele origin: germline. Affected: yes.
Comment: In silico analysis supports that this missense variant has a deleterious effect on protein structure/function; Has not been previously published as pathogenic or benign to our knowledge

NM_001039213.4(CEACAM16):c.620T>A (p.Val207Asp)

Genes: CEACAM16 (CEA cell adhesion molecule 16, tectorial membrane component; plus strand), CEACAM16-AS1 (CEACAM16, CEACAM19 and PVR antisense RNA 1; minus strand). Cytogenetic location: 19q13.32.
Variant type: single nucleotide variant.
Coding change: c.620T>A on transcript NM_001039213.4 (MANE Select); coding-DNA position 620, T replaced by A.
Protein change: p.Val207Asp; replaces valine 207 with aspartic acid.
Molecular consequence: missense variant.
Genome position (GRCh38, 1-based): chr19:44,704,255, T>A. VCF-style: chr19-44704255-T-A. GRCh37 (hg19) VCF-style: chr19-45207525-T-A.
Other names: short protein forms V207D.
Identifiers: ClinVar variation 3769987 (VCV003769987.1).